The following is an entry in ClinVar:

ClinVar aggregate classification (germline): Conflicting classifications of pathogenicity. Review status: criteria provided, conflicting classifications (1 of 4 stars). 2 submissions from 2 submitters: Uncertain significance (1); Likely benign (1). Last evaluated 2025-09-24.

Conditions:
Familial hypobetalipoproteinemia 1. Also called: APOB-Related Familial Hypobetalipoproteinemia; Hypobetalipoproteinemia, normotriglyceridemic; Acanthocytosis with hypobetalipoproteinemia. Identifiers: MedGen C4551990, MONDO:0014252, OMIM 615558.
Hypercholesterolemia, autosomal dominant, type B (FHCL2). Also called: APOLIPOPROTEIN B-100, FAMILIAL DEFECTIVE; APOLIPOPROTEIN B-100, FAMILIAL LIGAND-DEFECTIVE; HYPERCHOLESTEROLEMIA, FAMILIAL, DUE TO LIGAND-DEFECTIVE APOLIPOPROTEIN B; Familial Hypercholesterolemia Type B; Familial hypercholesterolemia 2; APOB-Related Familial Hypercholesterolemia, Autosomal Dominant. Identifiers: MedGen C1704417, MONDO:0007751, OMIM 144010.
Cardiovascular phenotype. Identifiers: MedGen CN230736.

Allele frequency attached by ClinVar (database versions not stated): gnomAD exomes below 0.00001 and 0.00001; gnomAD 0.00001; TOPMed 0.00001.
gnomAD v4.1: 3 of 1,614,214 alleles (0.00019%); highest among the groups gnomAD compares: East Asian, 0.0067%; no homozygotes.

Submissions (2):

Labcorp Genetics (formerly Invitae), Labcorp
Classification: Likely benign for Familial hypobetalipoproteinemia 1; Hypercholesterolemia, autosomal dominant, type B. Last evaluated: 2025-09-24. Review status: criteria provided, single submitter. Criteria: Invitae Variant Classification Sherloc (09022015). Collection method: clinical testing. Allele origin: germline.

Ambry Genetics
Classification: Uncertain significance for Cardiovascular phenotype. Last evaluated: 2023-07-27. Review status: criteria provided, single submitter. Criteria: Ambry Variant Classification Scheme 2023. Collection method: clinical testing. Allele origin: germline.
Comment: The p.S1459N variant (also known as c.4376G>A), located in coding exon 26 of the APOB gene, results from a G to A substitution at nucleotide position 4376. The serine at codon 1459 is replaced by asparagine, an amino acid with highly similar properties. This amino acid position is conserved. In addition, this alteration is predicted to be tolerated by in silico analysis. Since supporting evidence is limited at this time, the clinical significance of this alteration remains unclear.

NM_000384.3(APOB):c.4376G>A (p.Ser1459Asn)

Gene: APOB (apolipoprotein B; minus strand). Cytogenetic location: 2p24.1.
Variant type: single nucleotide variant.
Coding change: c.4376G>A on transcript NM_000384.3 (MANE Select); coding-DNA position 4376, G replaced by A.
Protein change: p.Ser1459Asn; replaces serine 1459 with asparagine.
Molecular consequence: missense variant.
Genome position (GRCh38, 1-based): chr2:21,012,492, C>T on the plus strand (G>A on the coding strand, the complement: APOB is on the minus strand). VCF-style: chr2-21012492-C-T. GRCh37 (hg19) VCF-style: chr2-21235364-C-T.
Other names: short protein forms S1459N.
Identifiers: ClinVar variation 2586184 (VCV002586184.5), dbSNP rs1393100780, ClinGen allele CA346007027.